The following is an entry in ClinVar:

NM_000020.3(ACVRL1):c.1377+4A>T

Gene: ACVRL1 (activin A receptor like type 1; plus strand). Cytogenetic location: 12q13.13.
Variant type: single nucleotide variant.
Coding change: c.1377+4A>T on transcript NM_000020.3 (MANE Select); 4 bases into the intron after coding-DNA position 1377, A replaced by T.
Molecular consequence: intron variant.
Genome position (GRCh38, 1-based): chr12:51,919,119, A>T. VCF-style: chr12-51919119-A-T. GRCh37 (hg19) VCF-style: chr12-52312903-A-T.
Other names: c.1377+4A>T (NM_001077401.2).
Identifiers: ClinVar variation 994236 (VCV000994236.9), dbSNP rs1940909579, ClinGen allele CA1139662707.

ClinVar aggregate classification (germline): Uncertain significance. Review status: reviewed by expert panel (3 of 4 stars). 2 submissions from 2 submitters: Uncertain significance (1). 1 of the submissions does not count toward it. Last evaluated 2024-03-15.

Conditions:
Telangiectasia, hereditary hemorrhagic, type 2 (HHT2). Also called: ACVRL1-Related Hereditary Hemorrhagic Telangiectasia; Telangiectasia, hereditary hemorrhagic, type II. Identifiers: Orphanet 774, MedGen C1838163, MONDO:0010880, OMIM 600376. Disease mechanism: loss of function.

Submissions (2):

ClinGen Hereditary Hemorrhagic Telangiectasia Variant Curation Expert Panel, ClinGen
Classification: Uncertain significance for Telangiectasia, hereditary hemorrhagic, type 2. Last evaluated: 2024-03-15. Review status: reviewed by expert panel. Criteria: ClinGen HHT ACMG Specifications ACVRL1 V1.1.0. Collection method: curation. Allele origin: germline. Inheritance: Autosomal dominant inheritance.
Comment: The NM_000020.3: c.1377+4A>T variant in ACVRL1 is an intronic variant located in intron 9. This variant is absent from gnomAD v2.1.1 (PM2_Supporting). This variant has been reported in a proband with a phenotype consistent of HHT (PS4_Supporting; Internal lab contributors). The computational splicing predictor SpliceAI gives a score of 0.39 for donor loss, predicting that the variant disrupts the donor splice site of intron 9 of ACVRL1 (PP3). In summary, this variant meets the criteria to be classified as a variant of uncertain significance for autosomal dominant hereditary hemorrhagic telangiectasia based on the ACMG/AMP criteria applied, as specified by the ClinGen Hereditary Hemorrhagic Telangiectasia Variant Curation Expert Panel: PM2_Supporting, PS4_Supporting, PP3 (specification version 1.0.0; 1/04/2024).

ARUP Laboratories, Molecular Genetics and Genomics, ARUP Laboratories
Classification: Uncertain significance for Telangiectasia, hereditary hemorrhagic, type 2. Last evaluated: 2021-10-08. Review status: criteria provided, single submitter. Criteria: ARUP Molecular Germline Variant Investigation Process 2021. Collection method: clinical testing. Allele origin: germline. Not counted in ClinVar's aggregate classification.
Comment: The ACVRL1 c.1377+4A>T variant, to our knowledge, is not reported in the medical literature but is listed in the ClinVar database (Variation ID: 994236). This variant is also absent from general population databases (Exome Variant Server, Genome Aggregation Database), indicating it is not a common polymorphism. This is an intronic variant in a highly conserved nucleotide, and computational analyses (Alamut v.2.11) predict that this variant may impact splicing by weakening the nearby canonical donor splice site. However, given the lack of clinical and functional data, the significance of the c.1377+4A>T variant is uncertain at this time.